The following is an entry in ClinVar:

NM_000551.4(VHL):c.607_623del (p.Gln203fs)

Genes: VHL (von Hippel-Lindau tumor suppressor; plus strand), LOC107303340 (3p25 von Hippel-Lindau tumor suppressor, E3 ubiquitin protein ligase Alu-mediated recombination region; plus strand). Cytogenetic location: 3p25.3.
Variant type: Deletion.
Coding change: c.607_623del on transcript NM_000551.4 (MANE Select); coding-DNA positions 607 to 623, 17 bases deleted (CAGGAGCGCATTGCACA).
Protein change: p.Gln203fs; shifts the reading frame from glutamine 203.
Molecular consequence: frameshift variant. On other transcripts: 3 prime UTR variant (1), non-coding transcript variant (1).
Genome position (GRCh38, 1-based): chr3:10,149,930-10,149,946, CAGGAGCGCATTGCACA deleted; deleting any 17 consecutive bases within chr3:10,149,927-10,149,946 gives the same sequence; the c. name uses the placement nearest the transcript's 3' end. VCF-style (leftmost placement, unchanged base first): chr3-10149926-GACACAGGAGCGCATTGC-G. GRCh37 (hg19) VCF-style: chr3-10191610-GACACAGGAGCGCATTGC-G.
Other names: c.*161_*177del (NM_001354723.2); c.484_500del, p.Gln162fs (NM_198156.3); short protein forms Q162fs, Q203fs.
Identifiers: ClinVar variation 2921908 (VCV002921908.3), dbSNP rs2470171387, ClinGen allele CA2740090906.

ClinVar aggregate classification (germline): Uncertain significance (1 of 4 stars; one submission).

Conditions:
Von Hippel-Lindau syndrome (VHLS). Also called: Von Hippel-Lindau; von Hippel–Lindau syndrome; VHL syndrome. Identifiers: Orphanet 892, MedGen C0019562, MONDO:0008667, OMIM 193300. Disease mechanism: loss of function.
Chuvash polycythemia. Also called: POLYCYTHEMIA, VHL-DEPENDENT. Identifiers: Orphanet 238557, MedGen C1837915, MONDO:0009892, OMIM 263400.

Submission:

Labcorp Genetics (formerly Invitae), Labcorp
Classification: Uncertain significance for Von Hippel-Lindau syndrome; Chuvash polycythemia. Last evaluated: 2024-01-03. Review status: criteria provided, single submitter. Criteria: Invitae Variant Classification Sherloc (09022015). Collection method: clinical testing. Allele origin: germline.
Comment: This sequence change results in a frameshift in the VHL gene (p.Gln203Serfs*47). While this is not anticipated to result in nonsense mediated decay, it is expected to disrupt the last 11 amino acid(s) of the VHL protein and extend the protein by 35 additional amino acid residues. This variant is not present in population databases (gnomAD no frequency). This variant has not been reported in the literature in individuals affected with VHL-related conditions. In summary, the available evidence is currently insufficient to determine the role of this variant in disease. Therefore, it has been classified as a Variant of Uncertain Significance.